The following is an entry in ClinVar:

NM_000079.4(CHRNA1):c.1053A>C (p.Arg351Ser)

Gene: CHRNA1 (cholinergic receptor nicotinic alpha 1 subunit; minus strand). Cytogenetic location: 2q31.1.
Variant type: single nucleotide variant.
Coding change: c.1053A>C on transcript NM_000079.4 (MANE Select); coding-DNA position 1053, A replaced by C.
Protein change: p.Arg351Ser; replaces arginine 351 with serine.
Molecular consequence: missense variant.
Genome position (GRCh38, 1-based): chr2:174,748,769, T>G on the plus strand (A>C on the coding strand, the complement: CHRNA1 is on the minus strand). VCF-style: chr2-174748769-T-G. GRCh37 (hg19) VCF-style: chr2-175613497-T-G.
Other names: c.1128A>C, p.Arg376Ser (NM_001039523.3); short protein forms R351S, R376S.
Identifiers: ClinVar variation 1386211 (VCV001386211.1), dbSNP rs2105344397, ClinGen allele CA349335166.
Genomic context (GRCh38, chr2:174,748,769, plus strand): 5'-AATGTCAGAGATATCAATGTCTTCTGTAAAAATCTTTTTGTCTTGCTTTTCTCTGGATGG[T>G]CTTTTCATTGTGGAGAAAAACATGATATTTGGGATAGTGTCGATAAAAACCTAACATAAA-3'
Protein context (NP_000070.1, residues 341-361): PNIMFFSTMK[Arg351Ser]PSREKQDKKI

ClinVar aggregate classification (germline): Uncertain significance (1 of 4 stars; one submission).

Conditions:
Lethal multiple pterygium syndrome (LMPS). Identifiers: Orphanet 33108, MedGen C1854678, MONDO:0009668, OMIM 253290.

Submission:

Labcorp Genetics (formerly Invitae), Labcorp
Classification: Uncertain significance for Lethal multiple pterygium syndrome. Last evaluated: 2021-08-25. Review status: criteria provided, single submitter. Criteria: Invitae Variant Classification Sherloc (09022015). Collection method: clinical testing. Allele origin: germline.
Comment: This sequence change replaces arginine with serine at codon 351 of the CHRNA1 protein (p.Arg351Ser). The arginine residue is highly conserved and there is a moderate physicochemical difference between arginine and serine. This variant is not present in population databases (ExAC no frequency). This variant has not been reported in the literature in individuals affected with CHRNA1-related conditions. Advanced modeling of protein sequence and biophysical properties (such as structural, functional, and spatial information, amino acid conservation, physicochemical variation, residue mobility, and thermodynamic stability) performed at Invitae indicates that this missense variant is not expected to disrupt CHRNA1 protein function. In summary, the available evidence is currently insufficient to determine the role of this variant in disease. Therefore, it has been classified as a Variant of Uncertain Significance.